The following is an entry in ClinVar:

ClinVar aggregate classification (germline): Uncertain significance (1 of 4 stars; one submission).

Conditions:
Long QT syndrome (LQTS). Identifiers: MedGen C0023976, MeSH D008133, MONDO:0002442. Disease mechanism: loss of function. Inheritance: Various modes of inheritance.

Submission:

Labcorp Genetics (formerly Invitae), Labcorp
Classification: Uncertain significance for Long QT syndrome. Last evaluated: 2024-03-16. Review status: criteria provided, single submitter. Criteria: Invitae Variant Classification Sherloc (09022015). Collection method: clinical testing. Allele origin: germline.
Comment: This sequence change replaces tryptophan, which is neutral and slightly polar, with arginine, which is basic and polar, at codon 410 of the KCNH2 protein (p.Trp410Arg). This variant is not present in population databases (gnomAD no frequency). This missense change has been observed in individuals with long QT syndrome (PMID: 33449212; Invitae). An algorithm developed to predict the effect of missense changes on protein structure and function (PolyPhen-2) suggests that this variant is likely to be disruptive. Experimental studies have shown that this missense change affects KCNH2 function (PMID: 33449212). In summary, the available evidence is currently insufficient to determine the role of this variant in disease. Therefore, it has been classified as a Variant of Uncertain Significance.

Literature cited by the submitters: PubMed 33449212.

NM_000238.4(KCNH2):c.1228T>A (p.Trp410Arg)

Gene: KCNH2 (potassium voltage-gated channel subfamily H member 2; minus strand). Cytogenetic location: 7q36.1.
Variant type: single nucleotide variant.
Coding change: c.1228T>A on transcript NM_000238.4 (MANE Select); coding-DNA position 1228, T replaced by A.
Protein change: p.Trp410Arg; replaces tryptophan 410 with arginine.
Molecular consequence: missense variant. On other transcripts: non-coding transcript variant (2).
Genome position (GRCh38, 1-based): chr7:150,952,754, A>T on the plus strand (T>A on the coding strand, the complement: KCNH2 is on the minus strand). VCF-style: chr7-150952754-A-T. GRCh37 (hg19) VCF-style: chr7-150649842-A-T.
Other names: c.208T>A, p.Trp70Arg (NM_001204798.2, NM_172057.3); c.940T>A, p.Trp314Arg (NM_001406753.1, NM_001406756.1); c.1051T>A, p.Trp351Arg (NM_001406755.1); c.928T>A, p.Trp310Arg (NM_001406757.1); c.1228T>A, p.Trp410Arg (NM_172056.3); short protein forms W410R, W314R, W310R, W351R, W70R.
Identifiers: ClinVar variation 3646162 (VCV003646162.2).